The following is an entry in ClinVar:

ClinVar aggregate classification (germline): Pathogenic (1 of 4 stars; one submission).

Conditions:
Abetalipoproteinaemia (ABL). Also called: MTP DEFICIENCY; Abetalipoproteinemia; Abetalipoproteinemia neuropathy; Apolipoprotein B deficiency; Congenital betalipoprotein deficiency syndrome. Identifiers: Orphanet 14, MedGen C0000744, MONDO:0008692, OMIM 200100, HP:0008181.

Submission:

Myriad Genetics, Inc.
Classification: Pathogenic for Abetalipoproteinaemia. Last evaluated: 2025-10-04. Review status: criteria provided, single submitter. Criteria: Myriad Autosomal Dominant, Autosomal Recessive and X-Linked Classification Criteria (2023). Collection method: clinical testing. Allele origin: unknown.
Comment: NM_000253.2(MTTP):c.1582_1583dupTA(H529Tfs*21) is expected to be pathogenic in the context of abetalipoproteinemia. This variant is predicted to lead to an abnormal or absent protein product due to the creation of a premature termination codon in MTTP, a gene where loss-of-function variants are known to be pathogenic. Please note: this variant was assessed in the context of healthy population screening.

NM_001386140.1(MTTP):c.1582_1583dup (p.His529fs)

Gene: MTTP (microsomal triglyceride transfer protein; plus strand). Cytogenetic location: 4q23.
Variant type: Microsatellite.
Coding change: c.1582_1583dup on transcript NM_001386140.1 (MANE Select); coding-DNA positions 1582 to 1583, 2 bases duplicated (TA; older notation c.1582_1583dupTA).
Protein change: p.His529fs; shifts the reading frame from histidine 529.
Molecular consequence: frameshift variant.
Genome position (GRCh38, 1-based): chr4:99,608,790-99,608,791, TA duplicated; duplicating any 2 consecutive bases within chr4:99,608,787-99,608,791 gives the same sequence; the c. name uses the placement nearest the transcript's 3' end. VCF-style (leftmost placement, unchanged base first): chr4-99608786-A-AAT. GRCh37 (hg19) VCF-style: chr4-100529943-A-AAT.
Other names: c.1582_1583dup, p.His529fs (NM_000253.4); c.1333_1334dup, p.His446fs (NM_001300785.2); short protein forms H446fs, H529fs.
Identifiers: ClinVar variation 5015051 (VCV005015051.1).